The following is an entry in ClinVar:

NM_004304.5(ALK):c.2425A>G (p.Arg809Gly)

Gene: ALK (ALK receptor tyrosine kinase; minus strand). Cytogenetic location: 2p23.2.
Variant type: single nucleotide variant.
Coding change: c.2425A>G on transcript NM_004304.5 (MANE Select); coding-DNA position 2425, A replaced by G.
Protein change: p.Arg809Gly; replaces arginine 809 with glycine.
Molecular consequence: missense variant.
Genome position (GRCh38, 1-based): chr2:29,233,627, T>C on the plus strand (A>G on the coding strand, the complement: ALK is on the minus strand). VCF-style: chr2-29233627-T-C. GRCh37 (hg19) VCF-style: chr2-29456493-T-C.
Other names: short protein forms R809G.
Identifiers: ClinVar variation 3285723 (VCV003285723.1).

ClinVar aggregate classification (germline): Uncertain significance (1 of 4 stars; one submission).

Conditions:
Hereditary cancer-predisposing syndrome. Also called: Tumor predisposition; Hereditary Cancer Syndrome; Hereditary neoplastic syndrome; Neoplastic Syndromes, Hereditary. Identifiers: Orphanet 140162, MedGen C0027672, MeSH D009386, MONDO:0015356.

gnomAD v4.1: 2 of 1,614,242 alleles (0.00012%); highest among the groups gnomAD compares: South Asian, 0.0022%; no homozygotes.

Submission:

Ambry Genetics
Classification: Uncertain significance for Hereditary cancer-predisposing syndrome. Last evaluated: 2024-03-24. Review status: criteria provided, single submitter. Criteria: Ambry Variant Classification Scheme 2023. Collection method: clinical testing. Allele origin: germline.
Comment: The p.R809G variant (also known as c.2425A>G), located in coding exon 14 of the ALK gene, results from an A to G substitution at nucleotide position 2425. The arginine at codon 809 is replaced by glycine, an amino acid with dissimilar properties. This amino acid position is conserved. In addition, this alteration is predicted to be tolerated by in silico analysis. Based on the available evidence, the clinical significance of this alteration remains unclear.